The following is an entry in ClinVar:

ClinVar aggregate classification (germline): Uncertain significance (1 of 4 stars; one submission).

Submission:

GeneDx
Classification: Uncertain significance. Last evaluated: 2026-03-07. Review status: criteria provided, single submitter. Criteria: GeneDx Variant Classification Process June 2021. Collection method: clinical testing. Allele origin: germline.
Comment: Not observed at significant frequency in large population cohorts (gnomAD); In-frame deletion of 1 amino acid(s) in a non-repeat region; In silico analysis supports a deleterious effect on protein structure/function; Has not been previously published as pathogenic or benign to our knowledge

NM_001356.5(DDX3X):c.363TGG[1] (p.Gly123del)

Gene: DDX3X (DEAD-box helicase 3 X-linked; plus strand). Cytogenetic location: Xp11.4.
Variant type: Microsatellite.
Coding change: c.363TGG[1] on transcript NM_001356.5 (MANE Select); one copy of the 3-base unit TGG starting at c.363; the reference has two copies in a row; one copy, 3 bases deleted.
Protein change: p.Gly123del; deletes glycine 123.
Molecular consequence: inframe deletion. On other transcripts: 5 prime UTR variant (1), non-coding transcript variant (1).
Genome position (GRCh38, 1-based): chrX:41,342,576-41,342,578, TGG deleted; deleting any 3 consecutive bases within chrX:41,342,572-41,342,578 gives the same sequence; the position shown is the placement nearest the transcript's 3' end. VCF-style (leftmost placement, unchanged base first): chrX-41342571-CGTG-C. GRCh37 (hg19) VCF-style: chrX-41201824-CGTG-C.
Other names: c.363TGG[1], p.Gly123del (NM_001193416.3); c.315TGG[1], p.Gly107del (NM_001193417.3); c.-196TGG[1] (NM_001363819.1); short protein forms G123del, G107del.
Identifiers: ClinVar variation 5008797 (VCV005008797.1).